The following is an entry in ClinVar:

NM_182914.3(SYNE2):c.5084A>G (p.Glu1695Gly)

Gene: SYNE2 (spectrin repeat containing nuclear envelope protein 2; plus strand). Cytogenetic location: 14q23.2.
Variant type: single nucleotide variant.
Coding change: c.5084A>G on transcript NM_182914.3 (MANE Select); coding-DNA position 5084, A replaced by G.
Protein change: p.Glu1695Gly; replaces glutamic acid 1695 with glycine.
Molecular consequence: missense variant.
Genome position (GRCh38, 1-based): chr14:64,020,026, A>G. VCF-style: chr14-64020026-A-G. GRCh37 (hg19) VCF-style: chr14-64486744-A-G.
Other names: c.5084A>G, p.Glu1695Gly (NM_015180.6); short protein forms E1695G.
Identifiers: ClinVar variation 837691 (VCV000837691.9), dbSNP rs746639416, ClinGen allele CA7220396.

ClinVar aggregate classification (germline): Uncertain significance (1 of 4 stars; one submission).

Conditions:
Emery-Dreifuss muscular dystrophy 5, autosomal dominant (EDMD5). Also called: EMERY-DREIFUSS MUSCULAR DYSTROPHY 5. Identifiers: Orphanet 261, MedGen C2751805, MONDO:0013072, OMIM 612999.

Allele frequency attached by ClinVar (database versions not stated): gnomAD 0.00001; gnomAD exomes 0.00001 and 0.00002; TOPMed 0.00001; ExAC 0.00002.
gnomAD v4.1: 9 of 1,613,754 alleles (0.00056%); highest among the groups gnomAD compares: Admixed American, 0.015%; no homozygotes.

Submission:

Labcorp Genetics (formerly Invitae), Labcorp
Classification: Uncertain significance for Emery-Dreifuss muscular dystrophy 5, autosomal dominant. Last evaluated: 2024-07-31. Review status: criteria provided, single submitter. Criteria: Invitae Variant Classification Sherloc (09022015). Collection method: clinical testing. Allele origin: germline.
Comment: This sequence change replaces glutamic acid, which is acidic and polar, with glycine, which is neutral and non-polar, at codon 1695 of the SYNE2 protein (p.Glu1695Gly). This variant is present in population databases (rs746639416, gnomAD 0.02%). This variant has not been reported in the literature in individuals affected with SYNE2-related conditions. ClinVar contains an entry for this variant (Variation ID: 837691). An algorithm developed to predict the effect of missense changes on protein structure and function (PolyPhen-2) suggests that this variant is likely to be disruptive. In summary, the available evidence is currently insufficient to determine the role of this variant in disease. Therefore, it has been classified as a Variant of Uncertain Significance.